The following is an entry in ClinVar:

NM_001040108.2(MLH3):c.1610T>C (p.Met537Thr)

Gene: MLH3 (mutL homolog 3; minus strand). Cytogenetic location: 14q24.3.
Variant type: single nucleotide variant.
Coding change: c.1610T>C on transcript NM_001040108.2 (MANE Select); coding-DNA position 1610, T replaced by C.
Protein change: p.Met537Thr; replaces methionine 537 with threonine.
Molecular consequence: missense variant.
Genome position (GRCh38, 1-based): chr14:75,048,046, A>G on the plus strand (T>C on the coding strand, the complement: MLH3 is on the minus strand). VCF-style: chr14-75048046-A-G. GRCh37 (hg19) VCF-style: chr14-75514749-A-G.
Other names: c.1610T>C, p.Met537Thr (NM_014381.3); short protein forms M537T.
Identifiers: ClinVar variation 1776385 (VCV001776385.2), dbSNP rs1161768903, ClinGen allele CA390444862.
Genomic context (GRCh38, chr14:75,048,046, plus strand): 5'-GCATCTTTAAATCTCTTTGGTTGATTCTGAATTCTATTATTTTTCAAGATGTTGGCAGCC[A>G]TGCCATTAACAGTAGTACTTTCTTTCCATATTTCTAGATCCTGCCCACTCTCCTCAAAGT-3'
Protein context (NP_001035197.1, residues 527-547): IWKESTTVNG[Met537Thr]AANILKNNRI

ClinVar aggregate classification (germline): Uncertain significance (1 of 4 stars; one submission).

Submission:

Ambry Genetics
Classification: Uncertain significance. Last evaluated: 2022-01-15. Review status: criteria provided, single submitter. Criteria: Ambry Variant Classification Scheme 2023. Collection method: clinical testing. Allele origin: germline.
Comment: The p.M537T variant (also known as c.1610T>C), located in coding exon 1 of the MLH3 gene, results from a T to C substitution at nucleotide position 1610. The methionine at codon 537 is replaced by threonine, an amino acid with similar properties. This amino acid position is conserved. In addition, this alteration is predicted to be tolerated by in silico analysis. Since supporting evidence is limited at this time, the clinical significance of this alteration remains unclear.